The following is an entry in ClinVar:

NM_000321.3(RB1):c.1229del (p.Asn410fs)

Gene: RB1 (RB transcriptional corepressor 1; plus strand). Cytogenetic location: 13q14.2.
Variant type: Deletion.
Coding change: c.1229del on transcript NM_000321.3 (MANE Select); coding-DNA position 1229, one base deleted (A; older notation c.1229delA).
Protein change: p.Asn410fs; shifts the reading frame from asparagine 410.
Molecular consequence: frameshift variant.
Genome position (GRCh38, 1-based): chr13:48,376,931, A deleted; the last of 2 consecutive A bases (chr13:48,376,930-48,376,931); deleting either gives the same sequence. VCF-style (leftmost placement, unchanged base first): chr13-48376929-GA-G. GRCh37 (hg19) VCF-style: chr13-48951065-GA-G.
Other names: c.1229delA (NM_000321.2); short protein forms N410fs.
Identifiers: ClinVar variation 428722 (VCV000428722.3), dbSNP rs1131690897, ClinGen allele CA645369543.
Genomic context (GRCh38, chr13:48,376,929, plus strand): 5'-CTGATTACACAGTATCCTCGACATTGATTTCTGTTTTTACCTCCTAAAGAACTGCACAGT[GA>G]ATCCAAAAGAAAGTATACTGAAAAGAGTGAAGGATATAGGATACATCTTTAAAGAGAAAT-3'

ClinVar aggregate classification (germline): Pathogenic (1 of 4 stars; one submission).

Conditions:
Hereditary cancer-predisposing syndrome. Also called: Hereditary Cancer Syndrome; Neoplastic Syndromes, Hereditary; Hereditary neoplastic syndrome; Tumor predisposition. Identifiers: Orphanet 140162, MedGen C0027672, MeSH D009386, MONDO:0015356.

Submission:

Ambry Genetics
Classification: Pathogenic for Hereditary cancer-predisposing syndrome. Last evaluated: 2015-12-02. Review status: criteria provided, single submitter. Criteria: Ambry Autosomal Dominant and X-Linked criteria (10/2015). Collection method: clinical testing. Allele origin: germline. Observed: 1 variant allele.
Comment: The c.1229delA pathogenic mutation, located in coding exon 13 of the RB1 gene, results from a deletion of one nucleotide at nucleotide position 1229, causing a translational frameshift with a predicted alternate stop codon. Since frameshifts are typically deleterious in nature, this alteration is interpreted as a disease-causing mutation (ACMG Recommendations for Standards for Interpretation and Reporting of Sequence Variations. Revision 2007. Genet Med. 2008;10:294).